The following is an entry in ClinVar:

NM_001042492.3(NF1):c.476C>T (p.Thr159Ile)

Gene: NF1 (neurofibromin 1; plus strand). Cytogenetic location: 17q11.2.
Variant type: single nucleotide variant.
Coding change: c.476C>T on transcript NM_001042492.3 (MANE Select); coding-DNA position 476, C replaced by T.
Protein change: p.Thr159Ile; replaces threonine 159 with isoleucine.
Molecular consequence: missense variant.
Genome position (GRCh38, 1-based): chr17:31,163,373, C>T. VCF-style: chr17-31163373-C-T. GRCh37 (hg19) VCF-style: chr17-29490391-C-T.
Other names: c.476C>T, p.Thr159Ile (NM_000267.4, NM_001128147.3); short protein forms T159I.
Identifiers: ClinVar variation 2672693 (VCV002672693.23), dbSNP rs2143674032, ClinGen allele CA398982205.

ClinVar aggregate classification (germline): Uncertain significance (1 of 4 stars; one submission).

Submission:

CeGaT Center for Human Genetics Tuebingen
Classification: Uncertain significance. Last evaluated: 2023-11-01. Review status: criteria provided, single submitter. Criteria: CeGaT Center For Human Genetics Tuebingen Variant Classification Criteria Version 2. Collection method: clinical testing. Allele origin: germline. Affected: yes. Observed: 1 variant allele.
Comment: NF1: PM2, PP3